The following is an entry in ClinVar:

ClinVar aggregate classification (germline): Uncertain significance (1 of 4 stars; one submission).

gnomAD v4.1: 1 of 1,603,798 alleles (0.000062%); highest among the groups gnomAD compares: Non-Finnish European, 0.000085%; no homozygotes.

Submission:

Labcorp Genetics (formerly Invitae), Labcorp
Classification: Uncertain significance. Last evaluated: 2025-11-23. Review status: criteria provided, single submitter. Criteria: Invitae Variant Classification Sherloc (09022015). Collection method: clinical testing. Allele origin: germline.
Comment: This sequence change replaces threonine, which is neutral and polar, with lysine, which is basic and polar, at codon 4772 of the HMCN1 protein (p.Thr4772Lys). This variant is not present in population databases (gnomAD no frequency). This variant has not been reported in the literature in individuals affected with HMCN1-related conditions. An algorithm developed to predict the effect of missense changes on protein structure and function (PolyPhen-2) suggests that this variant is likely to be tolerated. In summary, the available evidence is currently insufficient to determine the role of this variant in disease. Therefore, it has been classified as a Variant of Uncertain Significance.

NM_031935.3(HMCN1):c.14315C>A (p.Thr4772Lys)

Gene: HMCN1 (hemicentin 1; plus strand). Cytogenetic location: 1q31.1.
Variant type: single nucleotide variant.
Coding change: c.14315C>A on transcript NM_031935.3 (MANE Select); coding-DNA position 14315, C replaced by A.
Protein change: p.Thr4772Lys; replaces threonine 4772 with lysine.
Molecular consequence: missense variant.
Genome position (GRCh38, 1-based): chr1:186,145,451, C>A. VCF-style: chr1-186145451-C-A. GRCh37 (hg19) VCF-style: chr1-186114583-C-A.
Other names: short protein forms T4772K.
Identifiers: ClinVar variation 4708820 (VCV004708820.1).
Genomic context (GRCh38, chr1:186,145,451, plus strand): 5'-TCTGTCTTGTAGCCCATGGTAACTGGAGTCCTTGGAGTGGCTGGGGAACATGCAGCCGGA[C>A]GTGTAACGGAGGGCAGATGCGGCGGTACCGCACATGTGATAACCCTCCTCCCTCCAATGG-3'
Protein context (NP_114141.2, residues 4762-4782): PWSGWGTCSR[Thr4772Lys]CNGGQMRRYR